The following is an entry in ClinVar:

NM_001399.5(EDA):c.480C>G (p.Ser160Arg)

Gene: EDA (ectodysplasin A; plus strand). Cytogenetic location: Xq13.1.
Variant type: single nucleotide variant.
Coding change: c.480C>G on transcript NM_001399.5 (MANE Select); coding-DNA position 480, C replaced by G.
Protein change: p.Ser160Arg; replaces serine 160 with arginine.
Molecular consequence: missense variant.
Genome position (GRCh38, 1-based): chrX:69,957,110, C>G. VCF-style: chrX-69957110-C-G. GRCh37 (hg19) VCF-style: chrX-69176960-C-G.
Other names: c.480C>G, p.Ser160Arg (NM_001005609.2, NM_001005612.3); short protein forms S160R.
Identifiers: ClinVar variation 1675183 (VCV001675183.2), dbSNP rs2147419234, ClinGen allele CA413447995.
Genomic context (GRCh38, chrX:69,957,110, plus strand): 5'-CCCTGATGAAAAGCCATACTCTGAAGAAGAAAGTAGGCGTGTTCGCCGCAATAAAAGAAG[C>G]AAAAGCAATGAAGGAGCAGATGGTAAGTCTACTCAGTTGATCCTTTATCACTTCTGAATT-3'
Protein context (NP_001390.1, residues 150-170): ESRRVRRNKR[Ser160Arg]KSNEGADGPV

ClinVar aggregate classification (germline): Uncertain significance (1 of 4 stars; one submission).

Conditions:
Tooth agenesis, selective, X-linked, 1 (STHAGX1). Also called: HYPODONTIA/OLIGODONTIA, X-LINKED, 1. Identifiers: Orphanet 99798, MedGen C1970757, MONDO:0010741, OMIM 313500. Disease mechanism: loss of function.

Submission:

Centre of Medical Genetics, University Hospital Muenster
Classification: Uncertain significance for Tooth agenesis, selective, X-linked, 1. Last evaluated: 2019-08-06. Review status: criteria provided, single submitter. Criteria: ACMG Guidelines, 2015. Collection method: clinical testing. Allele origin: germline. Affected: yes. Observed: 1 variant allele, 1 heterozygote.
Comment: ACMG categories: PM1,PM2,PP3